The following is an entry in ClinVar:

ClinVar aggregate classification (germline): Pathogenic (1 of 4 stars; one submission).

Conditions:
Tay-Sachs disease (TSD). Also called: HEXA DEFICIENCY; HEXA Disorders; GM2 gangliosidosis, type 1; Hexosaminidase alpha-subunit deficiency (variant B); Sphingolipidosis, Tay-Sachs; Hexosaminidase A Deficiency. Identifiers: Orphanet 845, MedGen C0039373, MONDO:0010100, OMIM 272800.

Submission:

Labcorp Genetics (formerly Invitae), Labcorp
Classification: Pathogenic for Tay-Sachs disease. Last evaluated: 2023-11-20. Review status: criteria provided, single submitter. Criteria: Invitae Variant Classification Sherloc (09022015). Collection method: clinical testing. Allele origin: unknown.
Comment: This variant is a gross deletion of the genomic region encompassing exon(s) 11 of the HEXA gene. This deletion is out-of-frame, and is expected to create a premature termination codon and result in an absent or disrupted protein product. Loss-of-function variants in HEXA are known to be pathogenic (PMID: 1833974, 8490625). This variant has not been reported in the literature in individuals affected with HEXA-related conditions. For these reasons, this variant has been classified as Pathogenic.

Literature cited by the submitters: PubMed 1833974; PubMed 8490625.

NC_000015.9:g.(?_72638848)_(72639071_?)del

Gene: HEXA (hexosaminidase subunit alpha; minus strand). Cytogenetic location: 15q23.
Variant type: Deletion.
Identifiers: ClinVar variation 3243745 (VCV003243745.1).